The following is an entry in ClinVar:

ClinVar aggregate classification (germline): Uncertain significance (1 of 4 stars; one submission).

Conditions:
X-linked immunodeficiency with magnesium defect, Epstein-Barr virus infection and neoplasia. Identifiers: Orphanet 317476, MedGen C3275445, MONDO:0010455, OMIM 300853.

Submission:

Labcorp Genetics (formerly Invitae), Labcorp
Classification: Uncertain significance for X-linked immunodeficiency with magnesium defect, Epstein-Barr virus infection and neoplasia. Last evaluated: 2023-05-29. Review status: criteria provided, single submitter. Criteria: Invitae Variant Classification Sherloc (09022015). Collection method: clinical testing. Allele origin: germline.
Comment: This variant has not been reported in the literature in individuals affected with MAGT1-related conditions. An algorithm developed to predict the effect of missense changes on protein structure and function (PolyPhen-2) suggests that this variant is likely to be tolerated. In summary, the available evidence is currently insufficient to determine the role of this variant in disease. Therefore, it has been classified as a Variant of Uncertain Significance. This sequence change replaces lysine, which is basic and polar, with glutamine, which is neutral and polar, at codon 22 of the MAGT1 protein (p.Lys22Gln). This variant is not present in population databases (gnomAD no frequency).

NM_032121.5(MAGT1):c.64A>C (p.Lys22Gln)

Gene: MAGT1 (magnesium transporter 1; minus strand). Cytogenetic location: Xq21.1.
Variant type: single nucleotide variant.
Coding change: c.64A>C on transcript NM_032121.5; coding-DNA position 64, A replaced by C.
Protein change: p.Lys22Gln; replaces lysine 22 with glutamine.
Molecular consequence: missense variant.
Genome position (GRCh38, 1-based): chrX:77,895,443, T>G on the plus strand (A>C on the coding strand, the complement: MAGT1 is on the minus strand). VCF-style: chrX-77895443-T-G. GRCh37 (hg19) VCF-style: chrX-77150940-T-G.
Other names: short protein forms K22Q.
Identifiers: ClinVar variation 2746535 (VCV002746535.3), dbSNP rs2522051491, ClinGen allele CA413714502.